The following is an entry in ClinVar:

ClinVar aggregate classification (germline): Uncertain significance (1 of 4 stars; one submission).

Conditions:
Mowat-Wilson syndrome (MOWS). Also called: Classic Mowat-Wilson Syndrome. Identifiers: Orphanet 2152, MedGen C1856113, MONDO:0009341, OMIM 235730.

Allele frequency attached by ClinVar (database versions not stated): gnomAD exomes below 0.00001.
gnomAD v4.1: 3 of 1,613,722 alleles (0.00019%); highest among the groups gnomAD compares: Admixed American, 0.0017%; no homozygotes.

Submission:

Labcorp Genetics (formerly Invitae), Labcorp
Classification: Uncertain significance for Mowat-Wilson syndrome. Last evaluated: 2023-05-16. Review status: criteria provided, single submitter. Criteria: Invitae Variant Classification Sherloc (09022015). Collection method: clinical testing. Allele origin: germline.
Comment: In summary, the available evidence is currently insufficient to determine the role of this variant in disease. Therefore, it has been classified as a Variant of Uncertain Significance. Variants that disrupt the consensus splice site are a relatively common cause of aberrant splicing (PMID: 17576681, 9536098). Algorithms developed to predict the effect of sequence changes on RNA splicing suggest that this variant is not likely to affect RNA splicing. This variant has not been reported in the literature in individuals affected with ZEB2-related conditions. This variant is present in population databases (no rsID available, gnomAD 0.003%). This sequence change falls in intron 5 of the ZEB2 gene. It does not directly change the encoded amino acid sequence of the ZEB2 protein. It affects a nucleotide within the consensus splice site.

Literature cited by the submitters: PubMed 17576681; PubMed 9536098.

NM_014795.4(ZEB2):c.592+3G>A

Genes: ZEB2 (zinc finger E-box binding homeobox 2; minus strand), LOC111721705 (skeletal muscle cis-regulatory module overlapping ZEB2; plus strand). Cytogenetic location: 2q22.3.
Variant type: single nucleotide variant.
Coding change: c.592+3G>A on transcript NM_014795.4 (MANE Select); 3 bases into the intron after coding-DNA position 592, G replaced by A.
Molecular consequence: intron variant.
Genome position (GRCh38, 1-based): chr2:144,404,833, C>T on the plus strand (G>A on the coding strand, the complement: ZEB2 is on the minus strand). VCF-style: chr2-144404833-C-T. GRCh37 (hg19) VCF-style: chr2-145162400-C-T.
Other names: c.520+3G>A (NM_001171653.2).
Identifiers: ClinVar variation 2747255 (VCV002747255.3), dbSNP rs1381036096, ClinGen allele CA536612589.
Genomic context (GRCh38, chr2:144,404,833, plus strand): 5'-GCATTTGTAATTGTAACAGCTGCAGAGGTCAGTGCAGTGGCTAAAAATGATTTACAGCCT[C>T]ACCATTTTCTTCTTGCCCATTGGCCTCTGGCGTGCCAAGGCGAGACAGCTCCTCAGGGGC-3'